The following is an entry in ClinVar:

NM_001080467.3(MYO5B):c.1057-4A>G

Gene: MYO5B (myosin VB; minus strand). Cytogenetic location: 18q21.1.
Variant type: single nucleotide variant.
Coding change: c.1057-4A>G on transcript NM_001080467.3 (MANE Select); 4 bases into the intron before coding-DNA position 1057, A replaced by G.
Molecular consequence: intron variant.
Genome position (GRCh38, 1-based): chr18:49,974,619, T>C on the plus strand (A>G on the coding strand, the complement: MYO5B is on the minus strand). VCF-style: chr18-49974619-T-C. GRCh37 (hg19) VCF-style: chr18-47500989-T-C.
Other names: p.?.
Identifiers: ClinVar variation 327070 (VCV000327070.56), dbSNP rs138582195, ClinGen allele CA8961648.

ClinVar aggregate classification (germline): Benign/Likely benign. Review status: criteria provided, multiple submitters, no conflicts (2 of 4 stars). 8 submissions from 8 submitters: Benign (2); Likely benign (4). 2 of the submissions do not count toward it. Last evaluated 2026-08-01.

Conditions:
Congenital microvillous atrophy (DIAR2). Also called: Microvillus inclusion disease; Diarrhea 2 with microvillus atrophy, with or without cholestasis; CONGENITAL FAMILIAL PROTRACTED DIARRHEA WITH ENTEROCYTE BRUSH-BORDER ABNORMALITIES; DAVIDSON DISEASE; MICROVILLUS ATROPHY, CONGENITAL. Identifiers: Orphanet 2290, MedGen C0341306, MONDO:0009635, OMIM 251850.
MYO5B-related disorder. Also called: MYO5B-related condition.

Allele frequency attached by ClinVar (database versions not stated): 1000 Genomes Project 0.00040; 1000 Genomes Project 30x 0.00047; TOPMed 0.00164; ESP Exome Variant Server 0.00193; gnomAD 0.00223 and 0.00231; ExAC 0.00278.
gnomAD v4.1: 4,988 of 1,612,740 alleles (0.31%); highest among the groups gnomAD compares: Non-Finnish European, 0.37%; 15 homozygotes.

Submissions (8):

CeGaT Center for Human Genetics Tuebingen
Classification: Likely benign. Last evaluated: 2026-08-01. Review status: criteria provided, single submitter. Criteria: CeGaT Center For Human Genetics Tuebingen Variant Classification Criteria Version 2. Collection method: clinical testing. Allele origin: germline. Affected: yes. Observed: 3 variant alleles.
Comment: MYO5B: BP4, BS2

Labcorp Genetics (formerly Invitae), Labcorp
Classification: Benign. Last evaluated: 2026-02-01. Review status: criteria provided, single submitter. Criteria: Invitae Variant Classification Sherloc (09022015). Collection method: clinical testing. Allele origin: germline.

PreventionGenetics, part of Exact Sciences
Classification: Likely benign for MYO5B-related condition. Last evaluated: 2025-12-26. Review status: criteria provided, single submitter. Criteria: ACMG Guidelines, 2015. Collection method: clinical testing. Allele origin: germline.
Comment: This variant is classified as likely benign based on ACMG/AMP sequence variant interpretation guidelines (Richards et al. 2015 PMID: 25741868, with internal and published modifications).

Mayo Clinic Laboratories, Mayo Clinic
Classification: Benign. Last evaluated: 2025-06-19. Review status: criteria provided, single submitter. Criteria: ACMG Guidelines, 2015. Collection method: clinical testing. Allele origin: germline. Observed: 1 variant allele.
Comment: BS1, BS2, BP4, BP7

Blueprint Genetics
Classification: Likely benign. Last evaluated: 2024-11-15. Review status: criteria provided, single submitter. Criteria: ACMG Guidelines, 2015. Collection method: clinical testing. Allele origin: germline.

Illumina Laboratory Services, Illumina
Classification: Likely benign for Congenital microvillous atrophy. Last evaluated: 2018-01-13. Review status: criteria provided, single submitter. Criteria: ICSL Variant Classification Criteria 13 December 2019. Collection method: clinical testing. Allele origin: germline.
Comment: This variant was observed in the ICSL laboratory as part of a predisposition screen in an ostensibly healthy population. It had not been previously curated by ICSL or reported in the Human Gene Mutation Database (HGMD: prior to June 1st, 2018), and was therefore a candidate for classification through an automated scoring system. Utilizing variant allele frequency, disease prevalence and penetrance estimates, and inheritance mode, an automated score was calculated to assess if this variant is too frequent to cause the disease. Based on the score and internal cut-off values, a variant classified as likely benign is not then subjected to further curation. The score for this variant resulted in a classification of likely benign for this disease.

Diagnostic Laboratory, Department of Genetics, University Medical Center Groningen
Classification: Likely benign. Review status: no assertion criteria provided. Collection method: clinical testing. Allele origin: germline. Affected: yes. Study: VKGL Data-share Consensus. Not counted in ClinVar's aggregate classification.

Laboratory of Diagnostic Genome Analysis, Leiden University Medical Center (LUMC)
Classification: Likely benign. Review status: no assertion criteria provided. Collection method: clinical testing. Allele origin: germline. Affected: yes. Study: VKGL Data-share Consensus. Not counted in ClinVar's aggregate classification.